The following is an entry in ClinVar:

NM_004655.4(AXIN2):c.2500C>G (p.Arg834Gly)

Gene: AXIN2 (axin 2; minus strand). Cytogenetic location: 17q24.1.
Variant type: single nucleotide variant.
Coding change: c.2500C>G on transcript NM_004655.4 (MANE Select); coding-DNA position 2500, C replaced by G.
Protein change: p.Arg834Gly; replaces arginine 834 with glycine.
Molecular consequence: missense variant.
Genome position (GRCh38, 1-based): chr17:65,530,008, G>C on the plus strand (C>G on the coding strand, the complement: AXIN2 is on the minus strand). VCF-style: chr17-65530008-G-C. GRCh37 (hg19) VCF-style: chr17-63526126-G-C.
Other names: c.2305C>G, p.Arg769Gly (NM_001363813.1); short protein forms R834G, R769G.
Identifiers: ClinVar variation 3013298 (VCV003013298.4), dbSNP rs878854728, ClinGen allele CA400674773.

ClinVar aggregate classification (germline): Uncertain significance. Review status: criteria provided, multiple submitters, no conflicts (2 of 4 stars). 2 submissions from 2 submitters: Uncertain significance (2). Last evaluated 2025-11-19.

Conditions:
Oligodontia-cancer predisposition syndrome. Also called: TOOTH AGENESIS-COLORECTAL CANCER SYNDROME. Identifiers: Orphanet 300576, MedGen C1837750, MONDO:0012075, OMIM 608615. Disease mechanism: loss of function.
Hereditary cancer-predisposing syndrome. Also called: Neoplastic Syndromes, Hereditary; Tumor predisposition; Hereditary neoplastic syndrome; Hereditary Cancer Syndrome. Identifiers: Orphanet 140162, MedGen C0027672, MeSH D009386, MONDO:0015356.

Submissions (2):

Labcorp Genetics (formerly Invitae), Labcorp
Classification: Uncertain significance for Oligodontia-cancer predisposition syndrome. Last evaluated: 2025-11-19. Review status: criteria provided, single submitter. Criteria: Invitae Variant Classification Sherloc (09022015). Collection method: clinical testing. Allele origin: germline.
Comment: This sequence change replaces arginine, which is basic and polar, with glycine, which is neutral and non-polar, at codon 834 of the AXIN2 protein (p.Arg834Gly). This variant is not present in population databases (gnomAD no frequency). This variant has not been reported in the literature in individuals affected with AXIN2-related conditions. ClinVar contains an entry for this variant (Variation ID: 3013298). Invitae Evidence Modeling of protein sequence and biophysical properties (such as structural, functional, and spatial information, amino acid conservation, physicochemical variation, residue mobility, and thermodynamic stability) indicates that this missense variant is not expected to disrupt AXIN2 protein function with a negative predictive value of 80%. In summary, the available evidence is currently insufficient to determine the role of this variant in disease. Therefore, it has been classified as a Variant of Uncertain Significance.

Ambry Genetics
Classification: Uncertain significance for Hereditary cancer-predisposing syndrome. Last evaluated: 2024-05-21. Review status: criteria provided, single submitter. Criteria: Ambry Variant Classification Scheme 2023. Collection method: clinical testing. Allele origin: germline.
Comment: The p.R834G variant (also known as c.2500C>G), located in coding exon 10 of the AXIN2 gene, results from a C to G substitution at nucleotide position 2500. The arginine at codon 834 is replaced by glycine, an amino acid with dissimilar properties. This amino acid position is conserved. In addition, the in silico prediction for this alteration is inconclusive. Based on the available evidence, the clinical significance of this variant remains unclear.